The following is an entry in ClinVar:

ClinVar aggregate classification (germline): Likely pathogenic (1 of 4 stars; one submission).

Conditions:
Bardet-Biedl syndrome (BBS). Identifiers: Orphanet 110, MedGen C0752166, MONDO:0015229.

Submission:

Labcorp Genetics (formerly Invitae), Labcorp
Classification: Likely pathogenic for Bardet-Biedl syndrome. Last evaluated: 2023-10-06. Review status: criteria provided, single submitter. Criteria: Invitae Variant Classification Sherloc (09022015). Collection method: clinical testing. Allele origin: unknown.
Comment: This variant results in a copy number gain of the genomic region encompassing exon(s) 3-7 of the BBS5 gene. While the exact position of this variant cannot be determined from the data, sub-genic copy number gains are generally in tandem (PMID: 25640679). This variant is predicted to be out-of-frame, and may result in an absent or disrupted protein product. Loss-of-function variants in BBS5 are known to be pathogenic (PMID: 15137946, 16877420, 26325687, 27708425, 28041643, 29806606). This variant has not been reported in the literature in individuals affected with BBS5-related conditions. In summary, the currently available evidence indicates that the variant is pathogenic, but additional data are needed to prove that conclusively. Therefore, this variant has been classified as Likely Pathogenic.

Literature cited by the submitters: PubMed 25640679; PubMed 15137946; PubMed 16877420; PubMed 26325687; PubMed 27708425; PubMed 28041643; PubMed 29806606.

NC_000002.11:g.(?_170343559)_(170350366_?)dup

Gene: BBS5 (Bardet-Biedl syndrome 5; plus strand). Cytogenetic location: 2q31.1.
Variant type: Duplication.
Identifiers: ClinVar variation 3247208 (VCV003247208.1).